The following is an entry in ClinVar:

ClinVar aggregate classification (germline): Uncertain significance. Review status: criteria provided, multiple submitters, no conflicts (2 of 4 stars). 2 submissions from 2 submitters: Uncertain significance (2). Last evaluated 2025-08-09.

Conditions:
Developmental and epileptic encephalopathy, 23 (DEE23). Also called: Epileptic encephalopathy, early infantile, 23. Identifiers: Orphanet 411986, MedGen C4014492, MONDO:0014371, OMIM 615859.

Allele frequency attached by ClinVar (database versions not stated): ESP Exome Variant Server 0.00008; gnomAD 0.00001; TOPMed 0.00001.
gnomAD v4.1: 10 of 1,613,404 alleles (0.00062%); highest among the groups gnomAD compares: African/African-American, 0.0013%; no homozygotes.

Submissions (2):

GeneDx
Classification: Uncertain significance. Last evaluated: 2025-08-09. Review status: criteria provided, single submitter. Criteria: GeneDx Variant Classification Process June 2021. Collection method: clinical testing. Allele origin: germline. Affected: yes.
Comment: Not observed at significant frequency in large population cohorts (gnomAD); In silico analysis supports that this missense variant has a deleterious effect on protein structure/function; Has not been previously published as pathogenic or benign to our knowledge

Labcorp Genetics (formerly Invitae), Labcorp
Classification: Uncertain significance for Developmental and epileptic encephalopathy, 23. Last evaluated: 2022-07-20. Review status: criteria provided, single submitter. Criteria: Invitae Variant Classification Sherloc (09022015). Collection method: clinical testing. Allele origin: germline.
Comment: This sequence change replaces alanine, which is neutral and non-polar, with threonine, which is neutral and polar, at codon 550 of the DOCK7 protein (p.Ala550Thr). This variant is present in population databases (rs146330198, gnomAD 0.0009%). This variant has not been reported in the literature in individuals affected with DOCK7-related conditions. ClinVar contains an entry for this variant (Variation ID: 847078). Algorithms developed to predict the effect of missense changes on protein structure and function (SIFT, PolyPhen-2, Align-GVGD) all suggest that this variant is likely to be tolerated. In summary, the available evidence is currently insufficient to determine the role of this variant in disease. Therefore, it has been classified as a Variant of Uncertain Significance.

NM_001367561.1(DOCK7):c.1648G>A (p.Ala550Thr)

Gene: DOCK7 (dedicator of cytokinesis 7; minus strand). Cytogenetic location: 1p31.3.
Variant type: single nucleotide variant.
Coding change: c.1648G>A on transcript NM_001367561.1 (MANE Select); coding-DNA position 1648, G replaced by A.
Protein change: p.Ala550Thr; replaces alanine 550 with threonine.
Molecular consequence: missense variant.
Genome position (GRCh38, 1-based): chr1:62,618,740, C>T on the plus strand (G>A on the coding strand, the complement: DOCK7 is on the minus strand). VCF-style: chr1-62618740-C-T. GRCh37 (hg19) VCF-style: chr1-63084411-C-T.
Other names: c.1648G>A, p.Ala550Thr (NM_001271999.2, NM_001272000.2, NM_001272001.2 and 3 more transcripts); short protein forms A550T.
Identifiers: ClinVar variation 847078 (VCV000847078.6), dbSNP rs146330198, ClinGen allele CA23765014.
Genomic context (GRCh38, chr1:62,618,740, plus strand): 5'-GAATTCTCCAAATTAAAATCTCTTACCTGTAAGTAGTGTTTGGAACATAAACATCCCTTG[C>T]GGGAAACTCTAAGATTTCTCTGGTAGGTCTAACTCTACTGTCAGGGTAAAGCTTCACTTG-3'
Protein context (NP_001354490.1, residues 540-560): RPTREILEFP[Ala550Thr]RDVYVPNTTY